The following is an entry in ClinVar:

ClinVar aggregate classification (germline): Uncertain significance (1 of 4 stars; one submission).

Allele frequency attached by ClinVar (database versions not stated): gnomAD exomes 0.00001; gnomAD 0.00005; TOPMed 0.00007.
gnomAD v4.1: 14 of 1,609,718 alleles (0.00087%); highest among the groups gnomAD compares: Admixed American, 0.022%; no homozygotes.

Submission:

Labcorp Genetics (formerly Invitae), Labcorp
Classification: Uncertain significance. Last evaluated: 2022-07-19. Review status: criteria provided, single submitter. Criteria: Invitae Variant Classification Sherloc (09022015). Collection method: clinical testing. Allele origin: germline.
Comment: In summary, the available evidence is currently insufficient to determine the role of this variant in disease. Therefore, it has been classified as a Variant of Uncertain Significance. Algorithms developed to predict the effect of missense changes on protein structure and function output the following: SIFT: "Tolerated"; PolyPhen-2: "Benign"; Align-GVGD: "Class C0". The serine amino acid residue is found in multiple mammalian species, which suggests that this missense change does not adversely affect protein function. This variant has not been reported in the literature in individuals affected with HELLS-related conditions. This variant is present in population databases (no rsID available, gnomAD 0.02%). This sequence change replaces asparagine, which is neutral and polar, with serine, which is neutral and polar, at codon 549 of the HELLS protein (p.Asn549Ser).

NM_018063.5(HELLS):c.1646A>G (p.Asn549Ser)

Gene: HELLS (helicase, lymphoid specific; plus strand). Cytogenetic location: 10q23.33.
Variant type: single nucleotide variant.
Coding change: c.1646A>G on transcript NM_018063.5 (MANE Select); coding-DNA position 1646, A replaced by G.
Protein change: p.Asn549Ser; replaces asparagine 549 with serine.
Molecular consequence: missense variant.
Genome position (GRCh38, 1-based): chr10:94,590,655, A>G. VCF-style: chr10-94590655-A-G. GRCh37 (hg19) VCF-style: chr10-96350412-A-G.
Other names: c.1784A>G, p.Asn595Ser (NM_001289067.2); c.1598A>G, p.Asn533Ser (NM_001289068.2); c.1550A>G, p.Asn517Ser (NM_001289069.2); c.1352A>G, p.Asn451Ser (NM_001289070.2); c.1274A>G, p.Asn425Ser (NM_001289071.2); c.1256A>G, p.Asn419Ser (NM_001289072.2); c.1232A>G, p.Asn411Ser (NM_001289073.2); c.563A>G, p.Asn188Ser (NM_001289074.2); and 1 more; short protein forms N419S, N188S, N411S, N425S, N451S, N143S, N517S, N549S.
Identifiers: ClinVar variation 1983496 (VCV001983496.4), dbSNP rs1464788442, ClinGen allele CA377666247.